The following is an entry in ClinVar:

ClinVar aggregate classification (germline): Pathogenic/Likely pathogenic. Review status: criteria provided, multiple submitters, no conflicts (2 of 4 stars). 2 submissions from 2 submitters: Pathogenic (1); Likely pathogenic (1). Last evaluated 2024-10-29.

Conditions:
Imerslund-Grasbeck syndrome. Also called: ENTEROCYTE COBALAMIN MALABSORPTION; ENTEROCYTE INTRINSIC FACTOR RECEPTOR, DEFECT OF; PERNICIOUS ANEMIA, JUVENILE, DUE TO SELECTIVE INTESTINAL MALABSORPTION OF VITAMIN B12, WITH PROTEINURIA; Imerslund-Gräsbeck syndrome; Megaloblastic anemia due to inborn errors of metabolism. Identifiers: Orphanet 35858, MedGen C4551825, MONDO:0009853.

Submissions (2):

Labcorp Genetics (formerly Invitae), Labcorp
Classification: Pathogenic for Imerslund-Grasbeck syndrome. Last evaluated: 2024-10-29. Review status: criteria provided, single submitter. Criteria: Invitae Variant Classification Sherloc (09022015). Collection method: clinical testing. Allele origin: germline.
Comment: This sequence change creates a premature translational stop signal (p.His3438Serfs*10) in the CUBN gene. It is expected to result in an absent or disrupted protein product. Loss-of-function variants in CUBN are known to be pathogenic (PMID: 15024727, 22929189, 25349199, 31613795, 34979989). This variant is not present in population databases (gnomAD no frequency). This variant has not been reported in the literature in individuals affected with CUBN-related conditions. For these reasons, this variant has been classified as Pathogenic.

Revvity Omics, Revvity
Classification: Likely pathogenic. Last evaluated: 2023-02-16. Review status: criteria provided, single submitter. Criteria: ACMG Guidelines, 2015. Collection method: clinical testing. Allele origin: germline.

Literature cited by the submitters: PubMed 15024727 (cited by Labcorp Genetics (formerly Invitae), Labcorp); PubMed 22929189 (cited by Labcorp Genetics (formerly Invitae), Labcorp); PubMed 25349199 (cited by Labcorp Genetics (formerly Invitae), Labcorp); PubMed 31613795 (cited by Labcorp Genetics (formerly Invitae), Labcorp); PubMed 34979989 (cited by Labcorp Genetics (formerly Invitae), Labcorp).

NM_001081.4(CUBN):c.10311dup (p.His3438fs)

Gene: CUBN (cubilin; minus strand). Cytogenetic location: 10p13.
Variant type: Duplication.
Coding change: c.10311dup on transcript NM_001081.4 (MANE Select); coding-DNA position 10311, one base duplicated (T; older notation c.10311dupT).
Protein change: p.His3438fs; shifts the reading frame from histidine 3438.
Molecular consequence: frameshift variant.
Genome position (GRCh38, 1-based): chr10:16,835,065, A duplicated on the plus strand (T on the coding strand, the reverse complement: CUBN is on the minus strand); the first of 6 consecutive A bases (chr10:16,835,065-16,835,070); duplicating any one gives the same sequence. VCF-style (leftmost placement, unchanged base first): chr10-16835064-G-GA. GRCh37 (hg19) VCF-style: chr10-16877063-G-GA.
Other names: short protein forms H3438fs.
Identifiers: ClinVar variation 2690580 (VCV002690580.5), dbSNP rs1200249069, ClinGen allele CA2608397068.